The following is an entry in ClinVar:

NM_020810.3(TRMT5):c.205_208del (p.Glu69fs)

Gene: TRMT5 (tRNA methyltransferase 5; minus strand). Cytogenetic location: 14q23.1.
Variant type: Microsatellite.
Coding change: c.205_208del on transcript NM_020810.3 (MANE Select); coding-DNA positions 205 to 208, 4 bases deleted (GAGA; older notation c.205_208delGAGA).
Protein change: p.Glu69fs; shifts the reading frame from glutamic acid 69.
Molecular consequence: frameshift variant.
Genome position (GRCh38, 1-based): chr14:60,979,690-60,979,693, TCTC deleted on the plus strand (GAGA on the coding strand, the reverse complement: TRMT5 is on the minus strand); deleting any 4 consecutive bases within chr14:60,979,690-60,979,699 gives the same sequence; the c. name uses the placement nearest the transcript's 3' end. VCF-style (leftmost placement, unchanged base first): chr14-60979689-GTCTC-G. GRCh37 (hg19) VCF-style: chr14-61446407-GTCTC-G.
Other names: c.286_289del, p.Glu96fs (NM_001350254.1); c.289_292del, p.Glu97fs (NM_001350253.1); short protein forms E69fs, E96fs, E97fs.
Identifiers: ClinVar variation 4886561 (VCV004886561.2).

ClinVar aggregate classification (germline): Likely pathogenic (1 of 4 stars; one submission).

Submission:

Dasa
Classification: Likely pathogenic. Last evaluated: 2025-12-11. Review status: criteria provided, single submitter. Criteria: DASA Assertion Criteria. Collection method: clinical testing. Allele origin: germline.
Comment: NM_020810.3(TRMT5):c.205_208del (p.Glu69Leufs*13) is a frameshift variant in TRMT5 predicted to alter the reading frame and introduce a premature termination codon and is predicted to result in an absent or altered protein product. Loss of function is an established disease mechanism for TRMT5-associated disorders. Also, this variant is rare in population databases. Based on the currently available evidence, this variant is classified as likely pathogenic.